The following is an entry in ClinVar:

NM_001365276.2(TNXB):c.5726A>G (p.Asp1909Gly)

Gene: TNXB (tenascin XB; minus strand). Cytogenetic location: 6p21.33.
Variant type: single nucleotide variant.
Coding change: c.5726A>G on transcript NM_001365276.2 (MANE Select); coding-DNA position 5726, A replaced by G.
Protein change: p.Asp1909Gly; replaces aspartic acid 1909 with glycine.
Molecular consequence: missense variant.
Genome position (GRCh38, 1-based): chr6:32,068,998, T>C on the plus strand (A>G on the coding strand, the complement: TNXB is on the minus strand). VCF-style: chr6-32068998-T-C. GRCh37 (hg19) VCF-style: chr6-32036775-T-C.
Other names: c.5726A>G, p.Asp1909Gly (NM_019105.8); short protein forms D1909G.
Identifiers: ClinVar variation 1712790 (VCV001712790.2), dbSNP rs1778582666, ClinGen allele CA363408000.

ClinVar aggregate classification (germline): Uncertain significance (1 of 4 stars; one submission).

Allele frequency attached by ClinVar (database versions not stated): gnomAD exomes below 0.00001; gnomAD 0.00001.

Submission:

GeneDx
Classification: Uncertain significance. Last evaluated: 2022-04-28. Review status: criteria provided, single submitter. Criteria: GeneDx Variant Classification Process June 2021. Collection method: clinical testing. Allele origin: germline. Affected: yes.
Comment: Not observed at significant frequency in large population cohorts (gnomAD); In silico analysis supports that this missense variant has a deleterious effect on protein structure/function; Has not been previously published as pathogenic or benign to our knowledge